The following is an entry in ClinVar:

NM_015378.4(VPS13D):c.1445A>G (p.Asp482Gly)

Gene: VPS13D (vacuolar protein sorting 13 homolog D; plus strand). Cytogenetic location: 1p36.22.
Variant type: single nucleotide variant.
Coding change: c.1445A>G on transcript NM_015378.4 (MANE Select); coding-DNA position 1445, A replaced by G.
Protein change: p.Asp482Gly; replaces aspartic acid 482 with glycine.
Molecular consequence: missense variant.
Genome position (GRCh38, 1-based): chr1:12,261,931, A>G. VCF-style: chr1-12261931-A-G. GRCh37 (hg19) VCF-style: chr1-12321988-A-G.
Other names: c.1445A>G, p.Asp482Gly (NM_018156.4); short protein forms D482G.
Identifiers: ClinVar variation 2134096 (VCV002134096.5), dbSNP rs761503920, ClinGen allele CA601526.

ClinVar aggregate classification (germline): Uncertain significance. Review status: criteria provided, multiple submitters, no conflicts (2 of 4 stars). 2 submissions from 2 submitters: Uncertain significance (2). Last evaluated 2022-10-05.

Conditions:
Inborn genetic diseases. Identifiers: MedGen C0950123, MeSH D030342.

Allele frequency attached by ClinVar (database versions not stated): gnomAD exomes below 0.00001; TOPMed below 0.00001; gnomAD 0.00001; ExAC 0.00002.
gnomAD v4.1: 5 of 1,613,150 alleles (0.00031%); highest among the groups gnomAD compares: Non-Finnish European, 0.00042%; no homozygotes.

Submissions (2):

Ambry Genetics
Classification: Uncertain significance for Inborn genetic diseases. Last evaluated: 2022-10-05. Review status: criteria provided, single submitter. Criteria: Ambry Variant Classification Scheme 2023. Collection method: clinical testing. Allele origin: germline.

Labcorp Genetics (formerly Invitae), Labcorp
Classification: Uncertain significance. Last evaluated: 2022-05-05. Review status: criteria provided, single submitter. Criteria: Invitae Variant Classification Sherloc (09022015). Collection method: clinical testing. Allele origin: germline.
Comment: Algorithms developed to predict the effect of missense changes on protein structure and function are either unavailable or do not agree on the potential impact of this missense change (SIFT: "Not Available"; PolyPhen-2: "Probably Damaging"; Align-GVGD: "Not Available"). This variant has not been reported in the literature in individuals affected with VPS13D-related conditions. Algorithms developed to predict the effect of sequence changes on RNA splicing suggest that this variant may create or strengthen a splice site. In summary, the available evidence is currently insufficient to determine the role of this variant in disease. Therefore, it has been classified as a Variant of Uncertain Significance. This sequence change replaces aspartic acid, which is acidic and polar, with glycine, which is neutral and non-polar, at codon 482 of the VPS13D protein (p.Asp482Gly). This variant is present in population databases (rs761503920, gnomAD 0.003%).